The following is an entry in ClinVar:

NM_004304.5(ALK):c.107C>G (p.Pro36Arg)

Gene: ALK (ALK receptor tyrosine kinase; minus strand). Cytogenetic location: 2p23.1.
Variant type: single nucleotide variant.
Coding change: c.107C>G on transcript NM_004304.5 (MANE Select); coding-DNA position 107, C replaced by G.
Protein change: p.Pro36Arg; replaces proline 36 with arginine.
Molecular consequence: missense variant.
Genome position (GRCh38, 1-based): chr2:29,920,553, G>C on the plus strand (C>G on the coding strand, the complement: ALK is on the minus strand). VCF-style: chr2-29920553-G-C. GRCh37 (hg19) VCF-style: chr2-30143419-G-C.
Other names: short protein forms P36R.
Identifiers: ClinVar variation 1055921 (VCV001055921.9), dbSNP rs773691688, ClinGen allele CA346590682.
Genomic context (GRCh38, chr2:29,920,553, plus strand): 5'-ACTGCCAGACTCTTCCTCTGCAGGCGCGAGTAGCTGAGTGGCTCCCGGGGCTGCAGCGGC[G>C]GCCCCGCAGCTGGGGAGCCCGCGCGCTGGCCGGTCCCCATCCCGGAGCCCACAGCTGCCG-3'
Protein context (NP_004295.2, residues 26-46): GQRAGSPAAG[Pro36Arg]PLQPREPLSY

ClinVar aggregate classification (germline): Uncertain significance (1 of 4 stars; one submission).

Conditions:
Neuroblastoma, susceptibility to, 3. Also called: ALK-Related Neuroblastic Tumor Susceptibility. Identifiers: Orphanet 635, MedGen C2751681, MONDO:0013083, OMIM 613014.

Submission:

Labcorp Genetics (formerly Invitae), Labcorp
Classification: Uncertain significance for Neuroblastoma, susceptibility to, 3. Last evaluated: 2020-04-10. Review status: criteria provided, single submitter. Criteria: Invitae Variant Classification Sherloc (09022015). Collection method: clinical testing. Allele origin: germline.
Comment: In summary, the available evidence is currently insufficient to determine the role of this variant in disease. Therefore, it has been classified as a Variant of Uncertain Significance. This variant is not present in population databases (ExAC no frequency). This variant has not been reported in the literature in individuals with ALK-related conditions. Algorithms developed to predict the effect of missense changes on protein structure and function are either unavailable or do not agree on the potential impact of this missense change (SIFT: "Deleterious"; PolyPhen-2: "Benign"; Align-GVGD: "Class C0"). This sequence change replaces proline with arginine at codon 36 of the ALK protein (p.Pro36Arg). The proline residue is moderately conserved and there is a moderate physicochemical difference between proline and arginine.